The following is an entry in ClinVar:

NM_016035.5(COQ4):c.493A>G (p.Met165Val)

Gene: COQ4 (coenzyme Q4; plus strand). Cytogenetic location: 9q34.11.
Variant type: single nucleotide variant.
Coding change: c.493A>G on transcript NM_016035.5 (MANE Select); coding-DNA position 493, A replaced by G.
Protein change: p.Met165Val; replaces methionine 165 with valine.
Molecular consequence: missense variant. On other transcripts: intron variant (1).
Genome position (GRCh38, 1-based): chr9:128,332,243, A>G. VCF-style: chr9-128332243-A-G. GRCh37 (hg19) VCF-style: chr9-131094522-A-G.
Other names: c.*3-1231A>G (NM_001305942.2); short protein forms M165V.
Identifiers: ClinVar variation 2041429 (VCV002041429.4), dbSNP rs569965685, ClinGen allele CA5260594.

ClinVar aggregate classification (germline): Uncertain significance (1 of 4 stars; one submission).

Conditions:
Neonatal encephalomyopathy-cardiomyopathy-respiratory distress syndrome. Also called: Coenzyme Q10 deficiency, primary, 7. Identifiers: Orphanet 457185, MedGen C5568562, MONDO:0014562, OMIM 616276.

Allele frequency attached by ClinVar (database versions not stated): ExAC 0.00001; gnomAD 0.00001; 1000 Genomes Project 0.00020; 1000 Genomes Project 30x 0.00031.

Submission:

Labcorp Genetics (formerly Invitae), Labcorp
Classification: Uncertain significance for Neonatal encephalomyopathy-cardiomyopathy-respiratory distress syndrome. Last evaluated: 2024-01-16. Review status: criteria provided, single submitter. Criteria: Invitae Variant Classification Sherloc (09022015). Collection method: clinical testing. Allele origin: germline.
Comment: This sequence change replaces methionine, which is neutral and non-polar, with valine, which is neutral and non-polar, at codon 165 of the COQ4 protein (p.Met165Val). This variant is present in population databases (rs569965685, gnomAD 0.0009%). This variant has not been reported in the literature in individuals affected with COQ4-related conditions. ClinVar contains an entry for this variant (Variation ID: 2041429). Advanced modeling of protein sequence and biophysical properties (such as structural, functional, and spatial information, amino acid conservation, physicochemical variation, residue mobility, and thermodynamic stability) has been performed at Invitae for this missense variant, however the output from this modeling did not meet the statistical confidence thresholds required to predict the impact of this variant on COQ4 protein function. In summary, the available evidence is currently insufficient to determine the role of this variant in disease. Therefore, it has been classified as a Variant of Uncertain Significance.